The following is an entry in ClinVar:

ClinVar aggregate classification (germline): Uncertain significance (1 of 4 stars; one submission).

Conditions:
Inborn genetic diseases. Identifiers: MedGen C0950123, MeSH D030342.

Submission:

Ambry Genetics
Classification: Uncertain significance for Inborn genetic diseases. Last evaluated: 2025-12-11. Review status: criteria provided, single submitter. Criteria: Ambry Variant Classification Scheme 2023. Collection method: clinical testing. Allele origin: germline.
Comment: The p.R39* variant (also known as c.115C>T), located in coding exon 2 of the ETV6 gene, results from a C to T substitution at nucleotide position 115. This changes the amino acid from an arginine to a stop codon within coding exon 2. The predicted stop codon occurs in the 5&rsquo; end of thegene. Premature termination codons in the 5&rsquo; end of a gene have been reported to escape nonsense-mediated mRNAdecay and/or lead to re-initiation (Rivas et al. Science. 2015 May 8;348(6235):666-9; Lindeboom et al. Nat Genet. 2016 Oct;48(10):1112-8; Rhee et al. Sci Rep. 2017 May 10;7(1):1653). The exact functional effect of this alteration is unknown. Since supporting evidence is limited at this time, the clinical significance of this alteration remains unclear.

NM_001987.5(ETV6):c.115C>T (p.Arg39Ter)

Gene: ETV6 (ETS variant transcription factor 6; plus strand). Cytogenetic location: 12p13.2.
Variant type: single nucleotide variant.
Coding change: c.115C>T on transcript NM_001987.5 (MANE Select); coding-DNA position 115, C replaced by T.
Protein change: p.Arg39Ter; replaces arginine 39 with a stop codon.
Molecular consequence: nonsense. On other transcripts: intron variant (1).
Genome position (GRCh38, 1-based): chr12:11,752,531, C>T. VCF-style: chr12-11752531-C-T. GRCh37 (hg19) VCF-style: chr12-11905465-C-T.
Other names: c.112C>T, p.Arg38Ter (NM_001413913.1); c.88C>T, p.Arg30Ter (NM_001413914.1); c.115C>T, p.Arg39Ter (NM_001413916.1, NM_001413917.1, NM_001413918.1); c.-101-86609C>T (NM_001413915.1); short protein forms R38*, R30*, R39*.
Identifiers: ClinVar variation 3846442 (VCV003846442.2).